The following is an entry in ClinVar:

ClinVar aggregate classification (germline): Uncertain significance (1 of 4 stars; one submission).

gnomAD v4.1: 2 of 1,612,712 alleles (0.00012%); highest among the groups gnomAD compares: East Asian, 0.0022%; no homozygotes.

Submission:

Labcorp Genetics (formerly Invitae), Labcorp
Classification: Uncertain significance. Last evaluated: 2022-10-26. Review status: criteria provided, single submitter. Criteria: Invitae Variant Classification Sherloc (09022015). Collection method: clinical testing. Allele origin: germline.
Comment: In summary, the available evidence is currently insufficient to determine the role of this variant in disease. Therefore, it has been classified as a Variant of Uncertain Significance. Advanced modeling of protein sequence and biophysical properties (such as structural, functional, and spatial information, amino acid conservation, physicochemical variation, residue mobility, and thermodynamic stability) performed at Invitae indicates that this missense variant is not expected to disrupt FZD4 protein function. This variant has not been reported in the literature in individuals affected with FZD4-related conditions. This variant is not present in population databases (gnomAD no frequency). This sequence change replaces lysine, which is basic and polar, with arginine, which is basic and polar, at codon 203 of the FZD4 protein (p.Lys203Arg).

NM_012193.4(FZD4):c.608A>G (p.Lys203Arg)

Genes: PRSS23 (serine protease 23; plus strand), FZD4 (frizzled class receptor 4; minus strand). Cytogenetic location: 11q14.2.
Variant type: single nucleotide variant.
Coding change: c.608A>G on transcript NM_012193.4 (MANE Select); coding-DNA position 608, A replaced by G.
Protein change: p.Lys203Arg; replaces lysine 203 with arginine.
Molecular consequence: missense variant. On other transcripts: non-coding transcript variant (2).
Genome position (GRCh38, 1-based): chr11:86,952,148, T>C on the plus strand (A>G on the coding strand, the complement: FZD4 is on the minus strand). VCF-style: chr11-86952148-T-C. GRCh37 (hg19) VCF-style: chr11-86663190-T-C.
Other names: short protein forms K203R.
Identifiers: ClinVar variation 2809729 (VCV002809729.3), dbSNP rs1949299453, ClinGen allele CA382015333.
Genomic context (GRCh38, chr11:86,952,148, plus strand): 5'-ATCCAGATATCAGTGAACTCCTTGGCTGAGCGGCTGTATAAGCCAGCATCATAGCCACAC[T>C]TGAGCACACAGTTCAGGCTCCTTTTCACCCAGATGTACTGATCAGAATTGGTTCCCACAG-3'
Protein context (NP_036325.2, residues 193-213): WVKRSLNCVL[Lys203Arg]CGYDAGLYSR